The following is an entry in ClinVar:

ClinVar aggregate classification (germline): Likely pathogenic (1 of 4 stars; one submission).

Submission:

Labcorp Genetics (formerly Invitae), Labcorp
Classification: Likely pathogenic. Last evaluated: 2018-10-31. Review status: criteria provided, single submitter. Criteria: Invitae Variant Classification Sherloc (09022015). Collection method: clinical testing. Allele origin: unknown.
Comment: In summary, the currently available evidence indicates that the variant is pathogenic, but additional data are needed to prove that conclusively. Therefore, this variant has been classified as Likely Pathogenic. Loss-of-function variants in USH2A are known to be pathogenic (PMID: 10729113, 10909849, 20507924, 25649381). Nucleotide substitutions within the consensus splice site are a relatively common cause of aberrant splicing (PMID: 17576681, 9536098). This variant has not been reported in the literature in individuals with USH2A-related disease. This variant is a deletion of the genomic region encompassing part of exon 3 of the USH2A gene (c.486-1_625del). It is expected to disrupt RNA splicing and likely results in an absent or disrupted protein product.

Literature cited by the submitters: PubMed 10729113; PubMed 10909849; PubMed 20507924; PubMed 25649381; PubMed 17576681; PubMed 9536098.

NC_000001.10:g.(?_216591882)_(216592022_?)del

Gene: USH2A (usherin; minus strand). Cytogenetic location: 1q41.
Variant type: Deletion.
Identifiers: ClinVar variation 3248085 (VCV003248085.1).